The following is an entry in ClinVar:

NM_004958.4(MTOR):c.5490_5501dup (p.Thr1837_Ala1838insThrAlaAlaThr)

Gene: MTOR (mechanistic target of rapamycin kinase; minus strand). Cytogenetic location: 1p36.22.
Variant type: Duplication.
Coding change: c.5490_5501dup on transcript NM_004958.4 (MANE Select); coding-DNA positions 5490 to 5501, 12 bases duplicated (TGCCGCCACCAC).
Protein change: p.Thr1837_Ala1838insThrAlaAlaThr.
Genome position (GRCh38, 1-based): chr1:11,130,641-11,130,652, GTGGTGGCGGCA duplicated on the plus strand (TGCCGCCACCAC on the coding strand, the reverse complement: MTOR is on the minus strand); duplicating any 12 consecutive bases within chr1:11,130,641-11,130,661 gives the same sequence; the c. name uses the placement nearest the transcript's 3' end. VCF-style (leftmost placement, unchanged base first): chr1-11130640-C-CGTGGTGGCGGCA. GRCh37 (hg19) VCF-style: chr1-11190697-C-CGTGGTGGCGGCA.
Other names: c.5490_5501dup, p.Thr1837_Ala1838insThrAlaAlaThr (NM_001386500.1); c.4242_4253dup, p.Thr1421_Ala1422insThrAlaAlaThr (NM_001386501.1).
Identifiers: ClinVar variation 3689121 (VCV003689121.2).
Genomic context (GRCh38, chr1:11,130,640, plus strand): 5'-CTCGGCCTCGCTCTCACTGTTGCTGCCCTCGGTGCTGGCAGTGGTGGTGGCAGTGGCGGC[C>CGTGGTGGCGGCA]GTGGTGGCGGCAGTGGTGGCGTTGGTGATGTTGGCCCCGCTGGCATGACGCAGTTTCTTC-3'

ClinVar aggregate classification (germline): Uncertain significance (1 of 4 stars; one submission).

Submission:

Labcorp Genetics (formerly Invitae), Labcorp
Classification: Uncertain significance. Last evaluated: 2025-02-25. Review status: criteria provided, single submitter. Criteria: Invitae Variant Classification Sherloc (09022015). Collection method: clinical testing. Allele origin: germline.
Comment: This variant, c.5490_5501dup, results in the insertion of 4 amino acid(s) of the MTOR protein (p.Thr1834_Thr1837dup), but otherwise preserves the integrity of the reading frame. This variant is not present in population databases (gnomAD no frequency). This variant has not been reported in the literature in individuals affected with MTOR-related conditions. In summary, the available evidence is currently insufficient to determine the role of this variant in disease. Therefore, it has been classified as a Variant of Uncertain Significance.